The following is an entry in ClinVar:

NM_002474.3(MYH11):c.655C>G (p.Leu219Val)

Gene: MYH11 (myosin heavy chain 11; minus strand). Cytogenetic location: 16p13.11.
Variant type: single nucleotide variant.
Coding change: c.655C>G on transcript NM_002474.3 (MANE Select); coding-DNA position 655, C replaced by G.
Protein change: p.Leu219Val; replaces leucine 219 with valine.
Molecular consequence: missense variant.
Genome position (GRCh38, 1-based): chr16:15,782,456, G>C on the plus strand (C>G on the coding strand, the complement: MYH11 is on the minus strand). VCF-style: chr16-15782456-G-C. GRCh37 (hg19) VCF-style: chr16-15876313-G-C.
Other names: c.676C>G, p.Leu226Val (NM_001040113.2, NM_001040114.2); c.655C>G, p.Leu219Val (NM_022844.3); short protein forms L219V, L226V.
Identifiers: ClinVar variation 3074603 (VCV003074603.1), dbSNP rs2506612984, ClinGen allele CA394871414.

ClinVar aggregate classification (germline): Uncertain significance (1 of 4 stars; one submission).

Conditions:
Familial thoracic aortic aneurysm and aortic dissection (TAAD). Also called: Thoracic aortic aneurysms and dissections. Identifiers: Orphanet 91387, MedGen C4707243, MONDO:0019625.

Submission:

All of Us Research Program, National Institutes of Health
Classification: Uncertain significance for Familial thoracic aortic aneurysm and aortic dissection. Last evaluated: 2023-11-20. Review status: criteria provided, single submitter. Criteria: ACMG Guidelines, 2015. Collection method: clinical testing. Allele origin: germline. Inheritance: Autosomal dominant inheritance. Observed: 1 variant allele, 1 heterozygote.
Comment: This missense variant replaces leucine with valine at codon 226 of the MYH11 protein. Computational prediction suggests that this variant may have deleterious impact on protein structure and function (internally defined REVEL score threshold >= 0.7, PMID: 27666373). To our knowledge, functional studies have not been reported for this variant. This variant has not been reported in individuals affected with MYH11-related disorders in the literature. This variant has not been identified in the general population by the Genome Aggregation Database (gnomAD). The available evidence is insufficient to determine the role of this variant in disease conclusively. Therefore, this variant is classified as a Variant of Uncertain Significance.

This study involves interpretation of variants in research participants for the purpose of population health screening. Participant phenotype was not available at the time of variant classification. Additional details can be found in publication PMID: 35346344, PMCID: PMC8962531